The following is an entry in ClinVar:

ClinVar aggregate classification (germline): Pathogenic (1 of 4 stars; one submission).

Conditions:
Familial cancer of breast. Also called: Hereditary breast cancer; BREAST CANCER, FAMILIAL; hereditary breast carcinoma. Identifiers: Orphanet 227535, MedGen C0346153, MONDO:0016419, OMIM 114480. Disease mechanism: loss of function.

Submission:

Labcorp Genetics (formerly Invitae), Labcorp
Classification: Pathogenic for Familial cancer of breast. Last evaluated: 2022-10-02. Review status: criteria provided, single submitter. Criteria: Invitae Variant Classification Sherloc (09022015). Collection method: clinical testing. Allele origin: germline.
Comment: This variant is a gross deletion of the genomic region encompassing exon(s) 2-13 of the PALB2 gene, which includes the termination codon. This deletion extends beyond the assayed region for this gene and therefore may encompass additional genes. While this deletion is not anticipated to lead to nonsense mediated decay, it is expected to alter mRNA translation or result in a truncated protein product. This variant has not been reported in the literature in individuals affected with PALB2-related conditions. This variant disrupts a region of the PALB2 protein in which other variant(s) (p.Tyr1183*) have been determined to be pathogenic (PMID: 17200671, 19609323, 20927582, 21165770, 21365267, 26283626, 26296701). This suggests that this is a clinically significant region of the protein, and that variants that disrupt it are likely to be disease-causing. For these reasons, this variant has been classified as Pathogenic.

Literature cited by the submitters: PubMed 17200671; PubMed 19609323; PubMed 20927582; PubMed 21165770; PubMed 21365267; PubMed 26283626; PubMed 26296701.

NC_000016.9:g.(?_23614634)_(23649460_?)del

Gene: PALB2 (partner and localizer of BRCA2; minus strand). Cytogenetic location: 16p12.2.
Variant type: Deletion.
Identifiers: ClinVar variation 2426866 (VCV002426866.3).